The following is an entry in ClinVar:

ClinVar aggregate classification (germline): Uncertain significance. Review status: criteria provided, multiple submitters, no conflicts (2 of 4 stars). 6 submissions from 6 submitters: Uncertain significance (6). Last evaluated 2025-11-06.

Conditions:
Loeys-Dietz syndrome 4 (LDS4). Also called: ANEURYSM, AORTIC AND CEREBRAL, WITH ARTERIAL TORTUOSITY AND SKELETAL MANIFESTATIONS; TGFB2-Related Loeys-Dietz Syndrome. Identifiers: MedGen C3553762, MONDO:0013897, OMIM 614816.
Familial thoracic aortic aneurysm and aortic dissection (TAAD). Also called: Thoracic aortic aneurysms and dissections. Identifiers: Orphanet 91387, MedGen C4707243, MONDO:0019625.

Allele frequency attached by ClinVar (database versions not stated): ExAC 0.00001; gnomAD 0.00001; gnomAD exomes 0.00002; TOPMed 0.00002.
gnomAD v4.1: 26 of 1,613,966 alleles (0.0016%); highest among the groups gnomAD compares: Non-Finnish European, 0.0021%; no homozygotes.

Submissions (6):

Labcorp Genetics (formerly Invitae), Labcorp
Classification: Uncertain significance for Loeys-Dietz syndrome 4. Last evaluated: 2025-11-06. Review status: criteria provided, single submitter. Criteria: Invitae Variant Classification Sherloc (09022015). Collection method: clinical testing. Allele origin: germline.
Comment: This sequence change replaces arginine, which is basic and polar, with histidine, which is basic and polar, at codon 183 of the TGFB2 protein (p.Arg183His). The frequency data for this variant in the population databases is considered unreliable, as metrics indicate poor data quality at this position in the gnomAD database. This variant has not been reported in the literature in individuals affected with TGFB2-related conditions. ClinVar contains an entry for this variant (Variation ID: 520194). Invitae Evidence Modeling of protein sequence and biophysical properties (such as structural, functional, and spatial information, amino acid conservation, physicochemical variation, residue mobility, and thermodynamic stability) indicates that this missense variant is not expected to disrupt TGFB2 protein function with a negative predictive value of 80%. In summary, the available evidence is currently insufficient to determine the role of this variant in disease. Therefore, it has been classified as a Variant of Uncertain Significance.

Ambry Genetics
Classification: Uncertain significance for Familial thoracic aortic aneurysm and aortic dissection. Last evaluated: 2024-08-19. Review status: criteria provided, single submitter. Criteria: Ambry Variant Classification Scheme 2023. Collection method: clinical testing. Allele origin: germline.
Comment: The p.R183H variant (also known as c.548G>A), located in coding exon 3 of the TGFB2 gene, results from a G to A substitution at nucleotide position 548. The arginine at codon 183 is replaced by histidine, an amino acid with highly similar properties. This amino acid position is highly conserved in available vertebrate species. In addition, this alteration is predicted to be deleterious by in silico analysis. Based on the available evidence, the clinical significance of this variant remains unclear.

Revvity Omics, Revvity
Classification: Uncertain significance for Loeys-Dietz syndrome 4. Last evaluated: 2023-12-28. Review status: criteria provided, single submitter. Criteria: ACMG Guidelines, 2015. Collection method: clinical testing. Allele origin: germline.

GeneDx
Classification: Uncertain significance. Last evaluated: 2022-10-26. Review status: criteria provided, single submitter. Criteria: GeneDx Variant Classification Process June 2021. Collection method: clinical testing. Allele origin: germline. Affected: yes.
Comment: Has not been previously published as pathogenic or benign to our knowledge; In silico analysis supports that this missense variant has a deleterious effect on protein structure/function; Not observed at significant frequency in large population cohorts (gnomAD)

Fulgent Genetics
Classification: Uncertain significance for Loeys-Dietz syndrome 4. Last evaluated: 2021-11-20. Review status: criteria provided, single submitter. Criteria: ACMG Guidelines, 2015. Collection method: clinical testing. Allele origin: unknown.

CeGaT Center for Human Genetics Tuebingen
Classification: Uncertain significance. Last evaluated: 2021-10-01. Review status: criteria provided, single submitter. Criteria: CeGaT Center For Human Genetics Tuebingen Variant Classification Criteria Version 2. Collection method: clinical testing. Allele origin: germline. Affected: yes. Observed: 1 variant allele.

NM_003238.6(TGFB2):c.548G>A (p.Arg183His)

Gene: TGFB2 (transforming growth factor beta 2; plus strand). Cytogenetic location: 1q41.
Variant type: single nucleotide variant.
Coding change: c.548G>A on transcript NM_003238.6 (MANE Select); coding-DNA position 548, G replaced by A.
Protein change: p.Arg183His; replaces arginine 183 with histidine.
Molecular consequence: missense variant. On other transcripts: non-coding transcript variant (2).
Genome position (GRCh38, 1-based): chr1:218,434,119, G>A. VCF-style: chr1-218434119-G-A. GRCh37 (hg19) VCF-style: chr1-218607461-G-A.
Other names: c.632G>A, p.Arg211His (NM_001135599.4); short protein forms R183H, R211H.
Identifiers: ClinVar variation 520194 (VCV000520194.56), dbSNP rs773177511, ClinGen allele CA1398540.